The following is an entry in ClinVar:

NM_022124.6(CDH23):c.1446C>A (p.Val482=)

Gene: CDH23 (cadherin related 23; plus strand). Cytogenetic location: 10q22.1.
Variant type: single nucleotide variant.
Coding change: c.1446C>A on transcript NM_022124.6 (MANE Select); coding-DNA position 1446, C replaced by A.
Protein change: p.Val482=; no amino-acid change (valine 482 retained).
Molecular consequence: synonymous variant.
Genome position (GRCh38, 1-based): chr10:71,646,614, C>A. VCF-style: chr10-71646614-C-A. GRCh37 (hg19) VCF-style: chr10-73406371-C-A.
Other names: c.1446C>A, p.Val482= (NM_001171930.2, NM_001171931.2, NM_052836.4).
Identifiers: ClinVar variation 45869 (VCV000045869.24), dbSNP rs200324241, ClinGen allele CA137274.
Genomic context (GRCh38, chr10:71,646,614, plus strand): 5'-GCCACTGTACAACATCAGCCTGTACGAGAACGTCACCGTGGGGACCTCTGTGCTGACAGT[C>A]CTGGTGAGTCCCCGCTTCACTGCAGGGCCACTGAGCTCTCCAGGGCCGACTGTGGTGAGG-3'
Protein context (NP_071407.4, residues 472-492): NVTVGTSVLT[Val482=]LATDNDAGTF

ClinVar aggregate classification (germline): Conflicting classifications of pathogenicity. Review status: criteria provided, conflicting classifications (1 of 4 stars). 7 submissions from 7 submitters: Uncertain significance (1); Likely benign (4). 2 of the submissions do not count toward it. Last evaluated 2026-01-12.

Conditions:
CDH23-related disorder. Also called: CDH23-related disorders; CDH23-related condition.
Usher syndrome type 1 (USH1). Also called: RETINITIS PIGMENTOSA AND CONGENITAL DEAFNESS. Identifiers: Orphanet 231169, Orphanet 886, MedGen C1568247, MONDO:0010168, OMIM 276900.

Allele frequency attached by ClinVar (database versions not stated): gnomAD exomes 0.00006 and 0.00012; ExAC 0.00013; ESP Exome Variant Server 0.00016; gnomAD 0.00048 and 0.00053; 1000 Genomes Project 0.00060; 1000 Genomes Project 30x 0.00062; TOPMed 0.00073.
gnomAD v4.1: 169 of 1,614,002 alleles (0.01%); highest among the groups gnomAD compares: African/African-American, 0.15%; 1 homozygote.

Submissions (7):

Labcorp Genetics (formerly Invitae), Labcorp
Classification: Likely benign. Last evaluated: 2026-01-12. Review status: criteria provided, single submitter. Criteria: Invitae Variant Classification Sherloc (09022015). Collection method: clinical testing. Allele origin: germline.

Blueprint Genetics
Classification: Likely benign. Last evaluated: 2024-06-28. Review status: criteria provided, single submitter. Criteria: ACMG Guidelines, 2015. Collection method: clinical testing. Allele origin: germline.

GeneDx
Classification: Likely benign. Last evaluated: 2021-03-15. Review status: criteria provided, single submitter. Criteria: GeneDx Variant Classification Process June 2021. Collection method: clinical testing. Allele origin: germline. Affected: yes.

Eurofins Ntd Llc (ga)
Classification: Uncertain significance. Last evaluated: 2016-11-11. Review status: criteria provided, single submitter. Criteria: EGL Classification Definitions 2015. Collection method: clinical testing. Allele origin: germline. Observed: 2 variant alleles, 2 heterozygotes.

Laboratory for Molecular Medicine, Mass General Brigham Personalized Medicine
Classification: Likely benign. Last evaluated: 2014-08-11. Review status: criteria provided, single submitter. Criteria: LMM Criteria. Collection method: clinical testing. Allele origin: germline. Observed: 1 variant allele.
Comment: Val482Val in Exon 14A of CDH23: This variant is not expected to have clinical si gnificance because it does not alter an amino acid residue, is not located withi n the splice consensus sequence, and has been identified in 2/4254 African Ameri can chromosomes from a broad population by the NHLBI Exome Sequencing Project (dbSNP rs200324241).

PreventionGenetics, part of Exact Sciences
Classification: Likely benign for CDH23-related condition. Last evaluated: 2024-08-16. Review status: no assertion criteria provided. Collection method: clinical testing. Allele origin: germline. Not counted in ClinVar's aggregate classification.
Comment: This variant is classified as likely benign based on ACMG/AMP sequence variant interpretation guidelines (Richards et al. 2015 PMID: 25741868, with internal and published modifications).

Natera, Inc.
Classification: Likely benign for Usher syndrome type 1. Last evaluated: 2020-04-24. Review status: no assertion criteria provided. Collection method: clinical testing. Allele origin: germline. Not counted in ClinVar's aggregate classification.